The following is an entry in ClinVar:

ClinVar aggregate classification (germline): Uncertain significance (1 of 4 stars; one submission).

Allele frequency attached by ClinVar (database versions not stated): gnomAD exomes 0.00001; ExAC 0.00002; gnomAD 0.00001.
gnomAD v4.1: 7 of 1,613,508 alleles (0.00043%); highest among the groups gnomAD compares: Admixed American, 0.012%; no homozygotes.

Submission:

Labcorp Genetics (formerly Invitae), Labcorp
Classification: Uncertain significance. Last evaluated: 2022-08-15. Review status: criteria provided, single submitter. Criteria: Invitae Variant Classification Sherloc (09022015). Collection method: clinical testing. Allele origin: germline.
Comment: This variant is present in population databases (rs769097011, gnomAD 0.02%). This sequence change replaces alanine, which is neutral and non-polar, with valine, which is neutral and non-polar, at codon 1991 of the LRRK1 protein (p.Ala1991Val). In summary, the available evidence is currently insufficient to determine the role of this variant in disease. Therefore, it has been classified as a Variant of Uncertain Significance. Algorithms developed to predict the effect of missense changes on protein structure and function are either unavailable or do not agree on the potential impact of this missense change (SIFT: "Deleterious"; PolyPhen-2: "Benign"; Align-GVGD: "Class C0"). This variant has not been reported in the literature in individuals affected with LRRK1-related conditions.

NM_024652.6(LRRK1):c.5972C>T (p.Ala1991Val)

Genes: LRRK1 (leucine rich repeat kinase 1; plus strand), LRRK1-AS1 (LRRK1 antisense RNA 1; minus strand). Cytogenetic location: 15q26.3.
Variant type: single nucleotide variant.
Coding change: c.5972C>T on transcript NM_024652.6 (MANE Select); coding-DNA position 5972, C replaced by T.
Protein change: p.Ala1991Val; replaces alanine 1991 with valine.
Molecular consequence: missense variant.
Genome position (GRCh38, 1-based): chr15:101,068,772, C>T. VCF-style: chr15-101068772-C-T. GRCh37 (hg19) VCF-style: chr15-101608977-C-T.
Other names: short protein forms A1991V.
Identifiers: ClinVar variation 1909355 (VCV001909355.5), dbSNP rs769097011, ClinGen allele CA7762317.
Genomic context (GRCh38, chr15:101,068,772, plus strand): 5'-TGTGCACCTTTGAAAATGAAAACACAGAGTGGTGCCTGGCCGTCTGGAGGGGCTGGGGCG[C>T]CAGGGAGTTCGACATTTTCTACCAGTCCTACGAGGAGCTGGGCCGGCTGGAGGCTTGCAC-3'
Protein context (NP_078928.3, residues 1981-2001): WCLAVWRGWG[Ala1991Val]REFDIFYQSY